The following is an entry in ClinVar:

NM_001369369.1(FOXN1):c.668T>G (p.Met223Arg)

Gene: FOXN1 (forkhead box N1; plus strand). Cytogenetic location: 17q11.2.
Variant type: single nucleotide variant.
Coding change: c.668T>G on transcript NM_001369369.1 (MANE Select); coding-DNA position 668, T replaced by G.
Protein change: p.Met223Arg; replaces methionine 223 with arginine.
Molecular consequence: missense variant.
Genome position (GRCh38, 1-based): chr17:28,527,330, T>G. VCF-style: chr17-28527330-T-G. GRCh37 (hg19) VCF-style: chr17-26854348-T-G.
Other names: c.668T>G, p.Met223Arg (NM_003593.3); short protein forms M223R.
Identifiers: ClinVar variation 2498698 (VCV002498698.28), dbSNP rs568219000, ClinGen allele CA398322414.

ClinVar aggregate classification (germline): Likely pathogenic (1 of 4 stars; one submission).

Submission:

CeGaT Center for Human Genetics Tuebingen
Classification: Likely pathogenic. Last evaluated: 2023-06-01. Review status: criteria provided, single submitter. Criteria: CeGaT Center For Human Genetics Tuebingen Variant Classification Criteria Version 2. Collection method: clinical testing. Allele origin: germline. Affected: yes. Observed: 1 variant allele.
Comment: FOXN1: PM2, PM3, PP3, PP4